The following is an entry in ClinVar:

ClinVar aggregate classification (germline): Uncertain significance. Review status: criteria provided, multiple submitters, no conflicts (2 of 4 stars). 2 submissions from 2 submitters: Uncertain significance (2). Last evaluated 2026-08-06.

Conditions:
Parkinsonism with polyneuropathy. Identifiers: Orphanet 611237, MedGen C5543299, MONDO:0036193, OMIM 619279.

Submissions (2):

OLLIN Analises Genomicas, OLLIN
Classification: Uncertain significance for Parkinsonism with polyneuropathy. Last evaluated: 2026-08-06. Review status: criteria provided, single submitter. Criteria: ACMG Guidelines 2015 PMID 25741868. Collection method: clinical testing. Allele origin: germline. Inheritance: Autosomal dominant inheritance.
Comment: This missense variant, located in exon 10 (of 13), has been reported in ClinVar (accession VCV003977990.1) and in gnomAD with an allele frequency of 0.00025%. However, to our knowledge, it has not been reported in the scientific literature. In silico analysis predicts that this variant has a tolerated effect. According to the currently available evidence, this variant has been classified as uncertain significance (PM2_P, BP4).

Ambry Genetics
Classification: Uncertain significance. Last evaluated: 2025-04-02. Review status: criteria provided, single submitter. Criteria: Ambry Variant Classification Scheme 2023. Collection method: clinical testing. Allele origin: germline.

NM_003365.3(UQCRC1):c.1204C>T (p.His402Tyr)

Gene: UQCRC1 (ubiquinol-cytochrome c reductase core protein 1; minus strand). Cytogenetic location: 3p21.31.
Variant type: single nucleotide variant.
Coding change: c.1204C>T on transcript NM_003365.3 (MANE Select); coding-DNA position 1204, C replaced by T.
Protein change: p.His402Tyr; replaces histidine 402 with tyrosine.
Molecular consequence: missense variant.
Genome position (GRCh38, 1-based): chr3:48,600,491, G>A on the plus strand (C>T on the coding strand, the complement: UQCRC1 is on the minus strand). VCF-style: chr3-48600491-G-A. GRCh37 (hg19) VCF-style: chr3-48637924-G-A.
Other names: short protein forms H402Y.
Identifiers: ClinVar variation 3977990 (VCV003977990.2).